The following is an entry in ClinVar:

ClinVar aggregate classification (germline): Uncertain significance (1 of 4 stars; one submission).

Submission:

Ambry Genetics
Classification: Uncertain significance. Last evaluated: 2023-03-08. Review status: criteria provided, single submitter. Criteria: Ambry Variant Classification Scheme 2023. Collection method: clinical testing. Allele origin: germline.
Comment: The p.S1023G variant (also known as c.3067A>G), located in coding exon 27 of the PRKDC gene, results from an A to G substitution at nucleotide position 3067. The serine at codon 1023 is replaced by glycine, an amino acid with similar properties. This amino acid position is conserved. In addition, the in silico prediction for this alteration is inconclusive. Since supporting evidence is limited at this time, the clinical significance of this alteration remains unclear.

NM_006904.7(PRKDC):c.3067A>G (p.Ser1023Gly)

Gene: PRKDC (protein kinase, DNA-activated, catalytic subunit; minus strand). Cytogenetic location: 8q11.21.
Variant type: single nucleotide variant.
Coding change: c.3067A>G on transcript NM_006904.7 (MANE Select); coding-DNA position 3067, A replaced by G.
Protein change: p.Ser1023Gly; replaces serine 1023 with glycine.
Molecular consequence: missense variant.
Genome position (GRCh38, 1-based): chr8:47,902,771, T>C on the plus strand (A>G on the coding strand, the complement: PRKDC is on the minus strand). VCF-style: chr8-47902771-T-C. GRCh37 (hg19) VCF-style: chr8-48815331-T-C.
Other names: c.3067A>G, p.Ser1023Gly (NM_001081640.2); short protein forms S1023G.
Identifiers: ClinVar variation 2497419 (VCV002497419.2), dbSNP rs2551875607, ClinGen allele CA371157113.